The following is an entry in ClinVar:

ClinVar aggregate classification (germline): Uncertain significance. Review status: criteria provided, single submitter (1 of 4 stars). 2 submissions from 2 submitters: Uncertain significance (1). 1 of the submissions does not count toward it. Last evaluated 2021-08-31.

Conditions:
Hyperornithinemia-hyperammonemia-homocitrullinuria syndrome (HHHS). Also called: Ornithine translocase deficiency; HHH SYNDROME. Identifiers: Orphanet 415, MedGen C0268540, MONDO:0009393, OMIM 238970.

Allele frequency attached by ClinVar (database versions not stated): gnomAD exomes below 0.00001 and 0.00001; TOPMed below 0.00001; gnomAD 0.00001.
gnomAD v4.1: 22 of 1,614,060 alleles (0.0014%); highest among the groups gnomAD compares: South Asian, 0.0055%; no homozygotes.

Submissions (2):

Labcorp Genetics (formerly Invitae), Labcorp
Classification: Uncertain significance for Hyperornithinemia-hyperammonemia-homocitrullinuria syndrome. Last evaluated: 2021-08-31. Review status: criteria provided, single submitter. Criteria: Invitae Variant Classification Sherloc (09022015). Collection method: clinical testing. Allele origin: germline.
Comment: This sequence change replaces arginine with glutamine at codon 45 of the SLC25A15 protein (p.Arg45Gln). The arginine residue is moderately conserved and there is a small physicochemical difference between arginine and glutamine. This variant is not present in population databases (ExAC no frequency). This variant has not been reported in the literature in individuals affected with SLC25A15-related conditions. Algorithms developed to predict the effect of missense changes on protein structure and function are either unavailable or do not agree on the potential impact of this missense change (SIFT: "Deleterious"; PolyPhen-2: "Benign"; Align-GVGD: "Class C0"). Algorithms developed to predict the effect of sequence changes on RNA splicing suggest that this variant may create or strengthen a splice site. In summary, the available evidence is currently insufficient to determine the role of this variant in disease. Therefore, it has been classified as a Variant of Uncertain Significance.

Natera, Inc.
Classification: Uncertain significance for Hyperornithinemia-hyperammonemia-homocitrullinuria syndrome. Last evaluated: 2020-11-09. Review status: no assertion criteria provided. Collection method: clinical testing. Allele origin: germline. Not counted in ClinVar's aggregate classification.

NM_014252.4(SLC25A15):c.134G>A (p.Arg45Gln)

Gene: SLC25A15 (solute carrier family 25 member 15; plus strand). Cytogenetic location: 13q14.11.
Variant type: single nucleotide variant.
Coding change: c.134G>A on transcript NM_014252.4 (MANE Select); coding-DNA position 134, G replaced by A.
Protein change: p.Arg45Gln; replaces arginine 45 with glutamine.
Molecular consequence: missense variant. On other transcripts: non-coding transcript variant (2).
Genome position (GRCh38, 1-based): chr13:40,799,135, G>A. VCF-style: chr13-40799135-G-A. GRCh37 (hg19) VCF-style: chr13-41373271-G-A.
Other names: short protein forms R45Q.
Identifiers: ClinVar variation 1043694 (VCV001043694.9), dbSNP rs201647638, ClinGen allele CA248374191.
Genomic context (GRCh38, chr13:40,799,135, plus strand): 5'-TGACCGGGCAGCCCTTTGACACAATGAAAGTGAAGATGCAGACGTTCCCTGACCTGTACC[G>A]GGGCCTCACCGACTGCTGCCTGAAGACTTACTCCCAGGTGGGCTTCCGTGGCTTCTACAA-3'
Protein context (NP_055067.1, residues 35-55): VKMQTFPDLY[Arg45Gln]GLTDCCLKTY